The following is an entry in ClinVar:

NM_018026.4(PACS1):c.684C>T (p.Gly228=)

Gene: PACS1 (phosphofurin acidic cluster sorting protein 1; plus strand). Cytogenetic location: 11q13.2.
Variant type: single nucleotide variant.
Coding change: c.684C>T on transcript NM_018026.4 (MANE Select); coding-DNA position 684, C replaced by T.
Protein change: p.Gly228=; no amino-acid change (glycine 228 retained).
Molecular consequence: synonymous variant.
Genome position (GRCh38, 1-based): chr11:66,216,142, C>T. VCF-style: chr11-66216142-C-T. GRCh37 (hg19) VCF-style: chr11-65983613-C-T.
Other names: c.684C>T (NM_018026.2).
Identifiers: ClinVar variation 719822 (VCV000719822.18), dbSNP rs548594376, ClinGen allele CA6116316.

ClinVar aggregate classification (germline): Benign/Likely benign. Review status: criteria provided, multiple submitters, no conflicts (2 of 4 stars). 7 submissions from 7 submitters: Benign (3); Likely benign (4). Last evaluated 2026-05-01.

Conditions:
PACS1-related disorder. Also called: PACS1-related condition.
Inborn genetic diseases. Identifiers: MedGen C0950123, MeSH D030342.
Schuurs-Hoeijmakers syndrome. Also called: PACS1-Related Neurodevelopmental Disorder. Identifiers: Orphanet 329224, MedGen C3554343, MONDO:0014006, OMIM 615009.

Allele frequency attached by ClinVar (database versions not stated): gnomAD exomes 0.00022 and 0.00009; 1000 Genomes Project 30x 0.00031; gnomAD 0.00002 and 0.00004; TOPMed 0.00005; 1000 Genomes Project 0.00020; ExAC 0.00020.
gnomAD v4.1: 141 of 1,613,892 alleles (0.0087%); highest among the groups gnomAD compares: South Asian, 0.099%; 1 homozygote.

Submissions (7):

CeGaT Center for Human Genetics Tuebingen
Classification: Likely benign. Last evaluated: 2026-05-01. Review status: criteria provided, single submitter. Criteria: CeGaT Center For Human Genetics Tuebingen Variant Classification Criteria Version 2. Collection method: clinical testing. Allele origin: germline. Affected: yes. Observed: 1 variant allele.
Comment: PACS1: BP4, BP7

PreventionGenetics, part of Exact Sciences
Classification: Likely benign for PACS1-related condition. Last evaluated: 2026-02-16. Review status: criteria provided, single submitter. Criteria: ACMG Guidelines, 2015. Collection method: clinical testing. Allele origin: germline.
Comment: This variant is classified as likely benign based on ACMG/AMP sequence variant interpretation guidelines (Richards et al. 2015 PMID: 25741868, with internal and published modifications).

Labcorp Genetics (formerly Invitae), Labcorp
Classification: Benign for Schuurs-Hoeijmakers syndrome. Last evaluated: 2025-09-14. Review status: criteria provided, single submitter. Criteria: Invitae Variant Classification Sherloc (09022015). Collection method: clinical testing. Allele origin: germline.

Ambry Genetics
Classification: Likely benign for Inborn genetic diseases. Last evaluated: 2025-08-21. Review status: criteria provided, single submitter. Criteria: Ambry Variant Classification Scheme 2023. Collection method: clinical testing. Allele origin: germline.

Blueprint Genetics
Classification: Likely benign. Last evaluated: 2023-10-05. Review status: criteria provided, single submitter. Criteria: ACMG Guidelines, 2015. Collection method: clinical testing. Allele origin: germline.

GeneDx
Classification: Benign. Last evaluated: 2019-07-26. Review status: criteria provided, single submitter. Criteria: GeneDx Variant Classification Process June 2021. Collection method: clinical testing. Allele origin: germline. Affected: yes.

Genetic Services Laboratory, University of Chicago
Classification: Benign. Last evaluated: 2017-08-04. Review status: criteria provided, single submitter. Criteria: ACMG Guidelines, 2015. Collection method: clinical testing. Allele origin: germline. Affected: no.